The following is an entry in ClinVar:

ClinVar aggregate classification (germline): Uncertain significance. Review status: criteria provided, multiple submitters, no conflicts (2 of 4 stars). 4 submissions from 4 submitters: Uncertain significance (4). Last evaluated 2026-03-02.

Conditions:
NPHP3-related disorder. Also called: NPHP3-related condition; NPHP3-related disorders. Identifiers: MedGen CN379163.
Nephronophthisis. Also called: Juvenile Nephronophthisis. Identifiers: Orphanet 655, MedGen C0687120, MONDO:0019005, HP:0000090.

Allele frequency attached by ClinVar (database versions not stated): gnomAD exomes below 0.00001; TOPMed below 0.00001; ExAC 0.00001.
gnomAD v4.1: 3 of 1,614,030 alleles (0.00019%); highest among the groups gnomAD compares: Admixed American, 0.0017%; no homozygotes.

Submissions (4):

PreventionGenetics, part of Exact Sciences
Classification: Uncertain significance for NPHP3-related condition. Last evaluated: 2026-03-02. Review status: criteria provided, single submitter. Criteria: ACMG Guidelines, 2015. Collection method: clinical testing. Allele origin: germline.
Comment: The NPHP3 c.1181T>A variant is predicted to result in the amino acid substitution p.Ile394Asn. To our knowledge, this variant has not been reported in the literature. This variant is reported in 0.0029% of alleles in individuals of Latino descent in gnomAD. At this time, the clinical significance of this variant is uncertain due to the absence of conclusive functional and genetic evidence.

3billion
Classification: Uncertain significance for NPHP3-related disorder. Last evaluated: 2025-11-18. Review status: criteria provided, single submitter. Criteria: ACMG Guidelines, 2015. Collection method: clinical testing. Allele origin: germline. Affected: yes.
Comment: The variant is observed at an extremely low frequency in the gnomAD v4.1.0 dataset (total allele frequency: <0.001%). Predicted Consequence/Location: Missense variant In silico tool predictions suggest damaging effect of the variant on gene or gene product [REVEL: 0.83 (>=0.6, sensitivity 0.68 and specificity 0.92)]. A different missense change at the same codon (p.Ile394Ser) has been reported to be associated with NPHP3-related disorder (PMID: 36227438). However the evidence of pathogenicity is insufficient at this time. Therefore, this variant is classified as VUS according to the recommendation of ACMG/AMP guideline.

Labcorp Genetics (formerly Invitae), Labcorp
Classification: Uncertain significance for Nephronophthisis. Last evaluated: 2022-08-07. Review status: criteria provided, single submitter. Criteria: Invitae Variant Classification Sherloc (09022015). Collection method: clinical testing. Allele origin: germline.
Comment: This sequence change replaces isoleucine, which is neutral and non-polar, with asparagine, which is neutral and polar, at codon 394 of the NPHP3 protein (p.Ile394Asn). This variant is present in population databases (rs753749299, gnomAD 0.003%). This variant has not been reported in the literature in individuals affected with NPHP3-related conditions. ClinVar contains an entry for this variant (Variation ID: 501429). Algorithms developed to predict the effect of missense changes on protein structure and function (SIFT, PolyPhen-2, Align-GVGD) all suggest that this variant is likely to be disruptive. In summary, the available evidence is currently insufficient to determine the role of this variant in disease. Therefore, it has been classified as a Variant of Uncertain Significance.

Eurofins Ntd Llc (ga)
Classification: Uncertain significance. Last evaluated: 2017-04-11. Review status: criteria provided, single submitter. Criteria: EGL Classification Definitions 2015. Collection method: clinical testing. Allele origin: germline. Observed: 1 variant allele, 1 heterozygote.

Literature cited by the submitters: PubMed 36227438 (cited by 3billion).

NM_153240.5(NPHP3):c.1181T>A (p.Ile394Asn)

Genes: NPHP3 (nephrocystin 3; minus strand), NPHP3-ACAD11 (NPHP3-ACAD11 readthrough (NMD candidate); minus strand). Cytogenetic location: 3q22.1.
Variant type: single nucleotide variant.
Coding change: c.1181T>A on transcript NM_153240.5 (MANE Select); coding-DNA position 1181, T replaced by A.
Protein change: p.Ile394Asn; replaces isoleucine 394 with asparagine.
Molecular consequence: missense variant. On other transcripts: non-coding transcript variant (1).
Genome position (GRCh38, 1-based): chr3:132,708,195, A>T on the plus strand (T>A on the coding strand, the complement: NPHP3 is on the minus strand). VCF-style: chr3-132708195-A-T. GRCh37 (hg19) VCF-style: chr3-132427039-A-T.
Other names: short protein forms I394N.
Identifiers: ClinVar variation 501429 (VCV000501429.14), dbSNP rs753749299, ClinGen allele CA2622377.